The following is an entry in ClinVar:

NM_000179.3(MSH6):c.1807_1808inv (p.Lys603Leu)

Gene: MSH6 (mutS homolog 6; plus strand). Cytogenetic location: 2p16.3.
Variant type: Inversion.
Coding change: c.1807_1808inv on transcript NM_000179.3 (MANE Select).
Protein change: p.Lys603Leu; replaces lysine 603 with leucine.
Molecular consequence: missense variant. On other transcripts: non-coding transcript variant (4), intron variant (2).
Genome position: GRCh38 VCF-style: chr2-47799790-AA-TT. GRCh37 (hg19) VCF-style: chr2-48026929-AA-TT.
Other names: c.1417_1418inv, p.Lys473Leu (NM_001281492.2); c.901_902inv, p.Lys301Leu (NM_001281493.2, NM_001281494.2, NM_001406811.1 and 6 more transcripts); c.1903_1904inv, p.Lys635Leu (NM_001406795.1, NM_001406802.1); c.1807_1808inv, p.Lys603Leu (NM_001406796.1, NM_001406798.1, NM_001406800.1 and 3 more transcripts); c.1510_1511inv, p.Lys504Leu (NM_001406797.1, NM_001406801.1, NM_001406805.1 and 10 more transcripts); c.1282_1283inv, p.Lys428Leu (NM_001406799.1, NM_001406806.1, NM_001406807.1); c.1729_1730inv, p.Lys577Leu (NM_001406804.1); c.1813_1814inv, p.Lys605Leu (NM_001406813.1); and 3 more; short protein forms K547L, K605L, K428L, K504L, K603L, K301L, K473L, K577L.
Identifiers: ClinVar variation 3643360 (VCV003643360.2).

ClinVar aggregate classification (germline): Uncertain significance (1 of 4 stars; one submission).

Conditions:
Hereditary nonpolyposis colorectal neoplasms. Identifiers: MedGen C0009405, MeSH D003123.

Submission:

Labcorp Genetics (formerly Invitae), Labcorp
Classification: Uncertain significance for Hereditary nonpolyposis colorectal neoplasms. Last evaluated: 2024-02-26. Review status: criteria provided, single submitter. Criteria: Invitae Variant Classification Sherloc (09022015). Collection method: clinical testing. Allele origin: germline.
Comment: This sequence change replaces lysine, which is basic and polar, with leucine, which is neutral and non-polar, at codon 603 of the MSH6 protein (p.Lys603Leu). Information on the frequency of this variant in the gnomAD database is not available, as this variant may be reported differently in the database. This variant has not been reported in the literature in individuals affected with MSH6-related conditions. An algorithm developed to predict the effect of missense changes on protein structure and function (PolyPhen-2) suggests that this variant is likely to be tolerated. In summary, the available evidence is currently insufficient to determine the role of this variant in disease. Therefore, it has been classified as a Variant of Uncertain Significance.